The following is an entry in ClinVar:

ClinVar aggregate classification (germline): Uncertain significance (1 of 4 stars; one submission).

Conditions:
Inborn genetic diseases. Identifiers: MedGen C0950123, MeSH D030342.

Submission:

Ambry Genetics
Classification: Uncertain significance for Inborn genetic diseases. Last evaluated: 2025-05-31. Review status: criteria provided, single submitter. Criteria: Ambry Variant Classification Scheme 2023. Collection method: clinical testing. Allele origin: germline.
Comment: The p.G1486C variant (also known as c.4456G>T), located in coding exon 1 of the SAMD9 gene, results from a G to T substitution at nucleotide position 4456. The glycine at codon 1486 is replaced by cysteine, an amino acid with highly dissimilar properties. This amino acid position is conserved. In addition, this alteration is predicted to be tolerated by in silico analysis. Based on the available evidence, the clinical significance of this variant remains unclear.

NM_017654.4(SAMD9):c.4456G>T (p.Gly1486Cys)

Gene: SAMD9 (sterile alpha motif domain containing 9; minus strand). Cytogenetic location: 7q21.2.
Variant type: single nucleotide variant.
Coding change: c.4456G>T on transcript NM_017654.4 (MANE Select); coding-DNA position 4456, G replaced by T.
Protein change: p.Gly1486Cys; replaces glycine 1486 with cysteine.
Molecular consequence: missense variant.
Genome position (GRCh38, 1-based): chr7:93,101,642, C>A on the plus strand (G>T on the coding strand, the complement: SAMD9 is on the minus strand). VCF-style: chr7-93101642-C-A. GRCh37 (hg19) VCF-style: chr7-92730955-C-A.
Other names: c.4456G>T, p.Gly1486Cys (NM_001193307.2); short protein forms G1486C.
Identifiers: ClinVar variation 3949689 (VCV003949689.1).